The following is an entry in ClinVar:

NM_004380.3(CREBBP):c.2085del (p.Pro696fs)

Gene: CREBBP (CREB binding protein; minus strand). Cytogenetic location: 16p13.3.
Variant type: Deletion.
Coding change: c.2085del on transcript NM_004380.3 (MANE Select); coding-DNA position 2085, one base deleted (T; older notation c.2085delT).
Protein change: p.Pro696fs; shifts the reading frame from proline 696.
Molecular consequence: frameshift variant.
Genome position (GRCh38, 1-based): chr16:3,778,039, A deleted on the plus strand (T on the coding strand, the reverse complement: CREBBP is on the minus strand); the first of 2 consecutive A bases (chr16:3,778,039-3,778,040); deleting either gives the same sequence. VCF-style (leftmost placement, unchanged base first): chr16-3778038-GA-G. GRCh37 (hg19) VCF-style: chr16-3828039-GA-G.
Other names: c.1971del, p.Pro658fs (NM_001079846.1); short protein forms P658fs, P696fs.
Identifiers: ClinVar variation 2575956 (VCV002575956.1), dbSNP rs2548431236, ClinGen allele CA2580613412.

ClinVar aggregate classification (germline): Likely pathogenic (1 of 4 stars; one submission).

Submission:

Institute for Clinical Genetics, University Hospital TU Dresden, University Hospital TU Dresden
Classification: Likely pathogenic. Last evaluated: 2022-03-09. Review status: criteria provided, single submitter. Criteria: ACMG Guidelines, 2015. Collection method: clinical testing. Allele origin: germline.
Comment: PVS1, PM2_SUP